The following is an entry in ClinVar:

ClinVar aggregate classification (germline): Uncertain significance. Review status: criteria provided, multiple submitters, no conflicts (2 of 4 stars). 5 submissions from 5 submitters: Uncertain significance (5). Last evaluated 2023-12-21.

Conditions:
Arrhythmogenic right ventricular dysplasia 11. Also called: Arrhythmogenic Right Ventricular Dysplasia/Cardiomyopathy11; ARRHYTHMOGENIC RIGHT VENTRICULAR DYSPLASIA, FAMILIAL, 11; Arrhythmogenic right ventricular dysplasia 11 with mild palmoplantar keratoderma and woolly hair. Identifiers: MedGen C1864850, MONDO:0012506, OMIM 610476.
Cardiovascular phenotype. Identifiers: MedGen CN230736.
Familial isolated arrhythmogenic right ventricular dysplasia. Identifiers: Orphanet 217656, MedGen C4274968, MONDO:0016342.
Cardiomyopathy (CMYO). Also called: Cardiomyopathies. Identifiers: Orphanet 167848, MedGen C0878544, MONDO:0004994, HP:0001638. Inheritance: Various modes of inheritance.

Allele frequency attached by ClinVar (database versions not stated): gnomAD exomes 0.00001 and 0.00002; ExAC 0.00002; TOPMed below 0.00001.
gnomAD v4.1: 24 of 1,611,318 alleles (0.0015%); highest among the groups gnomAD compares: Non-Finnish European, 0.0019%; no homozygotes.

Submissions (5):

Labcorp Genetics (formerly Invitae), Labcorp
Classification: Uncertain significance for Arrhythmogenic right ventricular dysplasia 11. Last evaluated: 2023-12-21. Review status: criteria provided, single submitter. Criteria: Invitae Variant Classification Sherloc (09022015). Collection method: clinical testing. Allele origin: germline.
Comment: This sequence change replaces aspartic acid, which is acidic and polar, with asparagine, which is neutral and polar, at codon 317 of the DSC2 protein (p.Asp317Asn). This variant is present in population databases (rs769219956, gnomAD 0.006%). This variant has not been reported in the literature in individuals affected with DSC2-related conditions. ClinVar contains an entry for this variant (Variation ID: 626837). Advanced modeling of protein sequence and biophysical properties (such as structural, functional, and spatial information, amino acid conservation, physicochemical variation, residue mobility, and thermodynamic stability) has been performed at Invitae for this missense variant, however the output from this modeling did not meet the statistical confidence thresholds required to predict the impact of this variant on DSC2 protein function. In summary, the available evidence is currently insufficient to determine the role of this variant in disease. Therefore, it has been classified as a Variant of Uncertain Significance.

All of Us Research Program, National Institutes of Health
Classification: Uncertain significance for Familial isolated arrhythmogenic right ventricular dysplasia. Last evaluated: 2023-12-01. Review status: criteria provided, single submitter. Criteria: ACMG Guidelines, 2015. Collection method: clinical testing. Allele origin: germline. Inheritance: Autosomal dominant inheritance. Observed: 1 variant allele, 1 heterozygote.
Comment: This study involves interpretation of variants in research participants for the purpose of population health screening. Participant phenotype was not available at the time of variant classification. Additional details can be found in publication PMID: 35346344, PMCID: PMC8962531

Blueprint Genetics
Classification: Uncertain significance. Last evaluated: 2023-03-27. Review status: criteria provided, single submitter. Criteria: ACMG Guidelines, 2015. Collection method: clinical testing. Allele origin: germline.

Ambry Genetics
Classification: Uncertain significance for Cardiovascular phenotype. Last evaluated: 2023-01-23. Review status: criteria provided, single submitter. Criteria: Ambry Variant Classification Scheme 2023. Collection method: clinical testing. Allele origin: germline.
Comment: The p.D317N variant (also known as c.949G>A), located in coding exon 8 of the DSC2 gene, results from a G to A substitution at nucleotide position 949. The aspartic acid at codon 317 is replaced by asparagine, an amino acid with highly similar properties. This amino acid position is well conserved in available vertebrate species. In addition, this alteration is predicted to be tolerated by in silico analysis. Since supporting evidence is limited at this time, the clinical significance of this alteration remains unclear.

CHEO Genetics Diagnostic Laboratory, Children's Hospital of Eastern Ontario
Classification: Uncertain significance for Cardiomyopathy. Last evaluated: 2015-12-18. Review status: criteria provided, single submitter. Criteria: ACMG Guidelines, 2015. Collection method: clinical testing. Allele origin: germline. Study: Canadian Open Genetics Repository.

NM_024422.6(DSC2):c.949G>A (p.Asp317Asn)

Gene: DSC2 (desmocollin 2; minus strand). Cytogenetic location: 18q12.1.
Variant type: single nucleotide variant.
Coding change: c.949G>A on transcript NM_024422.6 (MANE Select); coding-DNA position 949, G replaced by A.
Protein change: p.Asp317Asn; replaces aspartic acid 317 with asparagine.
Molecular consequence: missense variant.
Genome position (GRCh38, 1-based): chr18:31,083,054, C>T on the plus strand (G>A on the coding strand, the complement: DSC2 is on the minus strand). VCF-style: chr18-31083054-C-T. GRCh37 (hg19) VCF-style: chr18-28663020-C-T.
Other names: c.949G>A, p.Asp317Asn (NM_004949.5); short protein forms D317N.
Identifiers: ClinVar variation 626837 (VCV000626837.11), dbSNP rs769219956, ClinGen allele CA040925.
Genomic context (GRCh38, chr18:31,083,054, plus strand): 5'-TCTGTAGACCAAAATACTGACCATCCATGTCTTGTACTTTTATTTTCAACTGGTACTTGT[C>T]AATTAACTGAAAACAAAAAAAGAATTTAATTATTGGGGGAAAGCACCAACATTATAATTG-3'
Protein context (NP_077740.1, residues 307-327): TSSQLDRELI[Asp317Asn]KYQLKIKVQD